The following is an entry in ClinVar:

NM_000395.3(CSF2RB):c.839C>G (p.Pro280Arg)

Gene: CSF2RB (colony stimulating factor 2 receptor subunit beta; plus strand). Cytogenetic location: 22q12.3.
Variant type: single nucleotide variant.
Coding change: c.839C>G on transcript NM_000395.3 (MANE Select); coding-DNA position 839, C replaced by G.
Protein change: p.Pro280Arg; replaces proline 280 with arginine.
Molecular consequence: missense variant.
Genome position (GRCh38, 1-based): chr22:36,930,495, C>G. VCF-style: chr22-36930495-C-G. GRCh37 (hg19) VCF-style: chr22-37326537-C-G.
Other names: c.839C>G, p.Pro280Arg (NM_001410827.1); short protein forms P280R.
Identifiers: ClinVar variation 3639742 (VCV003639742.2).
Genomic context (GRCh38, chr22:36,930,495, plus strand): 5'-GCTCCTGGGAGGTGAGGAAGGAGGTGGCCAGCTCGGTCTCCTTTGGCCTATTCTACAAGC[C>G]CAGCCCAGATGCAGGGTGAGCATCTTTTTTCTCCATCCCCTCCCCTCCTCTTGGCCTTGC-3'
Protein context (NP_000386.1, residues 270-290): SSVSFGLFYK[Pro280Arg]SPDAGEEECS

ClinVar aggregate classification (germline): Uncertain significance (1 of 4 stars; one submission).

gnomAD v4.1: 1 of 1,613,554 alleles (0.000062%); highest among the groups gnomAD compares: Non-Finnish European, 0.000085%; no homozygotes.

Submission:

Labcorp Genetics (formerly Invitae), Labcorp
Classification: Uncertain significance. Last evaluated: 2024-02-17. Review status: criteria provided, single submitter. Criteria: Invitae Variant Classification Sherloc (09022015). Collection method: clinical testing. Allele origin: germline.
Comment: This sequence change replaces proline, which is neutral and non-polar, with arginine, which is basic and polar, at codon 280 of the CSF2RB protein (p.Pro280Arg). This variant is not present in population databases (gnomAD no frequency). This variant has not been reported in the literature in individuals affected with CSF2RB-related conditions. Advanced modeling of protein sequence and biophysical properties (such as structural, functional, and spatial information, amino acid conservation, physicochemical variation, residue mobility, and thermodynamic stability) performed at Invitae indicates that this missense variant is not expected to disrupt CSF2RB protein function with a negative predictive value of 80%. In summary, the available evidence is currently insufficient to determine the role of this variant in disease. Therefore, it has been classified as a Variant of Uncertain Significance.